The following is an entry in ClinVar:

NM_004281.4(BAG3):c.1570A>G (p.Ile524Val)

Gene: BAG3 (BAG cochaperone 3; plus strand). Cytogenetic location: 10q26.11.
Variant type: single nucleotide variant.
Coding change: c.1570A>G on transcript NM_004281.4 (MANE Select); coding-DNA position 1570, A replaced by G.
Protein change: p.Ile524Val; replaces isoleucine 524 with valine.
Molecular consequence: missense variant.
Genome position (GRCh38, 1-based): chr10:119,677,124, A>G. VCF-style: chr10-119677124-A-G. GRCh37 (hg19) VCF-style: chr10-121436636-A-G.
Other names: c.1570A>G (NM_004281.3); short protein forms I524V.
Identifiers: ClinVar variation 1042608 (VCV001042608.9), dbSNP rs764925485, ClinGen allele CA5716574.
Genomic context (GRCh38, chr10:119,677,124, plus strand): 5'-CAAGTCCAGGTCTATGAACTCCAGCCCAGCAACCTTGAAGCAGATCAGCCACTGCAGGCA[A>G]TCATGGAGATGGGTGCCGTGGCAGCAGACAAGGGCAAGAAAAATGCTGGAAATGCAGAAG-3'
Protein context (NP_004272.2, residues 514-534): NLEADQPLQA[Ile524Val]MEMGAVAADK

ClinVar aggregate classification (germline): Uncertain significance. Review status: criteria provided, multiple submitters, no conflicts (2 of 4 stars). 2 submissions from 2 submitters: Uncertain significance (2). Last evaluated 2024-09-02.

Conditions:
Myofibrillar myopathy 6. Identifiers: Orphanet 199340, MedGen C2751831, MONDO:0013061, OMIM 612954.
Dilated cardiomyopathy 1HH (CMD1HH). Identifiers: Orphanet 154, MedGen C3151293, MONDO:0013479, OMIM 613881.

Allele frequency attached by ClinVar (database versions not stated): ExAC 0.00001; gnomAD 0.00001; TOPMed 0.00002.
gnomAD v4.1: 5 of 1,614,070 alleles (0.00031%); highest among the groups gnomAD compares: African/African-American, 0.004%; no homozygotes.

Submissions (2):

Labcorp Genetics (formerly Invitae), Labcorp
Classification: Uncertain significance for Dilated cardiomyopathy 1HH; Myofibrillar myopathy 6. Last evaluated: 2024-09-02. Review status: criteria provided, single submitter. Criteria: Invitae Variant Classification Sherloc (09022015). Collection method: clinical testing. Allele origin: germline.
Comment: This sequence change replaces isoleucine, which is neutral and non-polar, with valine, which is neutral and non-polar, at codon 524 of the BAG3 protein (p.Ile524Val). This variant is present in population databases (rs764925485, gnomAD 0.0009%). This missense change has been observed in individual(s) with dilated cardiomyopathy (PMID: 37652022). ClinVar contains an entry for this variant (Variation ID: 1042608). Invitae Evidence Modeling of protein sequence and biophysical properties (such as structural, functional, and spatial information, amino acid conservation, physicochemical variation, residue mobility, and thermodynamic stability) indicates that this missense variant is not expected to disrupt BAG3 protein function with a negative predictive value of 80%. In summary, the available evidence is currently insufficient to determine the role of this variant in disease. Therefore, it has been classified as a Variant of Uncertain Significance.

Revvity Omics, Revvity
Classification: Uncertain significance. Last evaluated: 2022-05-18. Review status: criteria provided, single submitter. Criteria: ACMG Guidelines, 2015. Collection method: clinical testing. Allele origin: germline.

Literature cited by the submitters: PubMed 37652022 (cited by Labcorp Genetics (formerly Invitae), Labcorp).